The following is an entry in ClinVar:

NM_000138.5(FBN1):c.8327G>T (p.Arg2776Leu)

Gene: FBN1 (fibrillin 1; minus strand). Cytogenetic location: 15q21.1.
Variant type: single nucleotide variant.
Coding change: c.8327G>T on transcript NM_000138.5 (MANE Select); coding-DNA position 8327, G replaced by T.
Protein change: p.Arg2776Leu; replaces arginine 2776 with leucine.
Molecular consequence: missense variant.
Genome position (GRCh38, 1-based): chr15:48,411,279, C>A on the plus strand (G>T on the coding strand, the complement: FBN1 is on the minus strand). VCF-style: chr15-48411279-C-A. GRCh37 (hg19) VCF-style: chr15-48703476-C-A.
Other names: c.8327G>T, p.Arg2776Leu (NM_001406716.1); short protein forms R2776L.
Identifiers: ClinVar variation 3751768 (VCV003751768.2).
Genomic context (GRCh38, chr15:48,411,279, plus strand): 5'-TCGATCAAGTATCTGTTGTGATTCGTCAGAGTTGTAAGAGCTGGAAGGAGTTCTAGGATT[C>A]GAACCTTGTTACTGACGTGGGAAATATTGAAAGCAAAGATGGCTGTCTTCTCAACATCCC-3'
Protein context (NP_000129.3, residues 2766-2786): FNISHVSNKV[Arg2776Leu]ILELLPALTT

ClinVar aggregate classification (germline): Uncertain significance (1 of 4 stars; one submission).

Conditions:
Marfan syndrome (MFS). Also called: MARFAN SYNDROME, TYPE I; Marfan syndrome type 1; Marfan's syndrome; Marfan syndrome, classic; FBN1-Related Marfan Syndrome. Identifiers: Orphanet 284963, Orphanet 558, MedGen C0024796, MONDO:0007947, OMIM 154700.
Familial thoracic aortic aneurysm and aortic dissection (TAAD). Also called: Thoracic aortic aneurysms and dissections. Identifiers: Orphanet 91387, MedGen C4707243, MONDO:0019625.

gnomAD v4.1: 5 of 1,614,028 alleles (0.00031%); highest among the groups gnomAD compares: Non-Finnish European, 0.00042%; no homozygotes.

Submission:

Labcorp Genetics (formerly Invitae), Labcorp
Classification: Uncertain significance for Marfan syndrome; Familial thoracic aortic aneurysm and aortic dissection. Last evaluated: 2024-09-11. Review status: criteria provided, single submitter. Criteria: Invitae Variant Classification Sherloc (09022015). Collection method: clinical testing. Allele origin: germline.
Comment: This sequence change replaces arginine, which is basic and polar, with leucine, which is neutral and non-polar, at codon 2776 of the FBN1 protein (p.Arg2776Leu). This variant is not present in population databases (gnomAD no frequency). This variant has not been reported in the literature in individuals affected with FBN1-related conditions. Invitae Evidence Modeling of protein sequence and biophysical properties (such as structural, functional, and spatial information, amino acid conservation, physicochemical variation, residue mobility, and thermodynamic stability) has been performed for this missense variant. However, the output from this modeling did not meet the statistical confidence thresholds required to predict the impact of this variant on FBN1 protein function. In summary, the available evidence is currently insufficient to determine the role of this variant in disease. Therefore, it has been classified as a Variant of Uncertain Significance.